The following is an entry in ClinVar:

ClinVar aggregate classification (germline): Uncertain significance. Review status: criteria provided, multiple submitters, no conflicts (2 of 4 stars). 2 submissions from 2 submitters: Uncertain significance (2). Last evaluated 2025-03-28.

Conditions:
Inborn genetic diseases. Identifiers: MedGen C0950123, MeSH D030342.

Allele frequency attached by ClinVar (database versions not stated): TOPMed 0.00003.

Submissions (2):

Ambry Genetics
Classification: Uncertain significance for Inborn genetic diseases. Last evaluated: 2025-03-28. Review status: criteria provided, single submitter. Criteria: Ambry Variant Classification Scheme 2023. Collection method: clinical testing. Allele origin: germline.

Labcorp Genetics (formerly Invitae), Labcorp
Classification: Uncertain significance. Last evaluated: 2022-05-21. Review status: criteria provided, single submitter. Criteria: Invitae Variant Classification Sherloc (09022015). Collection method: clinical testing. Allele origin: germline.
Comment: This sequence change replaces glutamic acid, which is acidic and polar, with aspartic acid, which is acidic and polar, at codon 1096 of the HIVEP2 protein (p.Glu1096Asp). In summary, the available evidence is currently insufficient to determine the role of this variant in disease. Therefore, it has been classified as a Variant of Uncertain Significance. Algorithms developed to predict the effect of missense changes on protein structure and function output the following: SIFT: "Tolerated"; PolyPhen-2: "Benign"; Align-GVGD: "Class C0". The aspartic acid amino acid residue is found in multiple mammalian species, which suggests that this missense change does not adversely affect protein function. This missense change has been observed in individual(s) with clinical features of HIVEP2-related conditions (Invitae). This variant is not present in population databases (gnomAD no frequency).

NM_006734.4(HIVEP2):c.3288G>T (p.Glu1096Asp)

Gene: HIVEP2 (HIVEP zinc finger 2; minus strand). Cytogenetic location: 6q24.2.
Variant type: single nucleotide variant.
Coding change: c.3288G>T on transcript NM_006734.4 (MANE Select); coding-DNA position 3288, G replaced by T.
Protein change: p.Glu1096Asp; replaces glutamic acid 1096 with aspartic acid.
Molecular consequence: missense variant.
Genome position (GRCh38, 1-based): chr6:142,771,451, C>A on the plus strand (G>T on the coding strand, the complement: HIVEP2 is on the minus strand). VCF-style: chr6-142771451-C-A. GRCh37 (hg19) VCF-style: chr6-143092588-C-A.
Other names: c.3288G>T (NM_006734.3); short protein forms E1096D.
Identifiers: ClinVar variation 2023128 (VCV002023128.4), dbSNP rs1194986196, ClinGen allele CA365904528.